The following is an entry in ClinVar:

ClinVar aggregate classification (germline): Uncertain significance (1 of 4 stars; one submission).

Submission:

GeneDx
Classification: Uncertain significance. Last evaluated: 2025-09-15. Review status: criteria provided, single submitter. Criteria: GeneDx Variant Classification Process June 2021. Collection method: clinical testing. Allele origin: germline.
Comment: Not observed at significant frequency in large population cohorts (gnomAD); In silico analysis indicates that this missense variant does not alter protein structure/function; Has not been previously published as pathogenic or benign to our knowledge

NM_013436.5(NCKAP1):c.1032G>T (p.Lys344Asn)

Gene: NCKAP1 (NCK associated protein 1; minus strand). Cytogenetic location: 2q32.1.
Variant type: single nucleotide variant.
Coding change: c.1032G>T on transcript NM_013436.5 (MANE Select); coding-DNA position 1032, G replaced by T.
Protein change: p.Lys344Asn; replaces lysine 344 with asparagine.
Molecular consequence: missense variant.
Genome position (GRCh38, 1-based): chr2:182,983,355, C>A on the plus strand (G>T on the coding strand, the complement: NCKAP1 is on the minus strand). VCF-style: chr2-182983355-C-A. GRCh37 (hg19) VCF-style: chr2-183848083-C-A.
Other names: c.1050G>T, p.Lys350Asn (NM_205842.3); short protein forms K344N, K350N.
Identifiers: ClinVar variation 3392697 (VCV003392697.2).
Genomic context (GRCh38, chr2:182,983,355, plus strand): 5'-TAGCAATCCAGGTTGATCAGAGAGGACAGTAGCCAATTCCTTCAGTGCAGATCTTAAAAA[C>A]TTGCGTCTTTCTCTGTGCATTGAACCACTATGGGGAAAGACACCATAATAGTTTATCTGC-3'
Protein context (NP_038464.1, residues 334-354): HAGSMHRERR[Lys344Asn]FLRSALKELA